The following is an entry in ClinVar:

ClinVar aggregate classification (germline): Uncertain significance (1 of 4 stars; one submission).

Conditions:
Developmental delay with dysmorphic facies and dental anomalies. Identifiers: MedGen C5543197, MONDO:0030988, OMIM 619228.

Submission:

Neuberg Centre For Genomic Medicine, NCGM
Classification: Uncertain significance for Developmental delay with dysmorphic facies and dental anomalies. Last evaluated: 2023-05-20. Review status: criteria provided, single submitter. Criteria: ACMG Guidelines, 2015. Collection method: clinical testing. Allele origin: germline. Inheritance: Autosomal dominant inheritance. Affected: yes.
Comment: The missense variant c.54C>A(p.Asn18Lys) in SATB1 gene has not been reported previously as a pathogenic variant nor as a benign variant, to our knowledge. The observed variant is absent in gnomAD exomes database. This variant has not been submitted to the ClinVar database. Multiple lines of computational evidence (Polyphen - benign , SIFT - damaging and MutationTaster - disease causing) predicts conflicting evidence on protein structure and function for this variant. The amino acid change p.Asn18Lys in SATB1 is predicted as conserved by GERP++ and PhyloP across 100 vertebrates. The amino acid Asn at position 18 is changed to a Lys changing protein sequence and it might alter its composition and physico-chemical properties. For these reasons, this variant has been classified as Uncertain Significance (VUS).

NM_002971.6(SATB1):c.54C>A (p.Asn18Lys)

Gene: SATB1 (SATB homeobox 1; minus strand). Cytogenetic location: 3p24.3.
Variant type: single nucleotide variant.
Coding change: c.54C>A on transcript NM_002971.6 (MANE Select); coding-DNA position 54, C replaced by A.
Protein change: p.Asn18Lys; replaces asparagine 18 with lysine.
Molecular consequence: missense variant. On other transcripts: intron variant (1).
Genome position (GRCh38, 1-based): chr3:18,420,914, G>T on the plus strand (C>A on the coding strand, the complement: SATB1 is on the minus strand). VCF-style: chr3-18420914-G-T. GRCh37 (hg19) VCF-style: chr3-18462406-G-T.
Other names: c.54C>A, p.Asn18Lys (NM_001131010.4, NM_001195470.3, NM_001322871.2 and 4 more transcripts); c.-5-3836C>A (NM_001322876.2); short protein forms N18K.
Identifiers: ClinVar variation 3341406 (VCV003341406.1).